The following is an entry in ClinVar:

NM_001377.3(DYNC2H1):c.2940G>T (p.Lys980Asn)

Gene: DYNC2H1 (dynein cytoplasmic 2 heavy chain 1; plus strand). Cytogenetic location: 11q22.3.
Variant type: single nucleotide variant.
Coding change: c.2940G>T on transcript NM_001377.3 (MANE Select); coding-DNA position 2940, G replaced by T.
Protein change: p.Lys980Asn; replaces lysine 980 with asparagine.
Molecular consequence: missense variant.
Genome position (GRCh38, 1-based): chr11:103,148,611, G>T. VCF-style: chr11-103148611-G-T. GRCh37 (hg19) VCF-style: chr11-103019340-G-T.
Other names: c.2940G>T, p.Lys980Asn (NM_001080463.2); short protein forms K980N.
Identifiers: ClinVar variation 2402796 (VCV002402796.25), dbSNP rs1051121338, ClinGen allele CA227415974.

ClinVar aggregate classification (germline): Uncertain significance. Review status: criteria provided, multiple submitters, no conflicts (2 of 4 stars). 3 submissions from 3 submitters: Uncertain significance (3). Last evaluated 2024-01-01.

Conditions:
Inborn genetic diseases. Identifiers: MedGen C0950123, MeSH D030342.

Allele frequency attached by ClinVar (database versions not stated): gnomAD exomes below 0.00001; gnomAD 0.00001.
gnomAD v4.1: 4 of 1,563,114 alleles (0.00026%); highest among the groups gnomAD compares: Middle Eastern, 0.033%; no homozygotes.

Submissions (3):

CeGaT Center for Human Genetics Tuebingen
Classification: Uncertain significance. Last evaluated: 2024-01-01. Review status: criteria provided, single submitter. Criteria: CeGaT Center For Human Genetics Tuebingen Variant Classification Criteria Version 2. Collection method: clinical testing. Allele origin: germline. Affected: yes. Observed: 1 variant allele.
Comment: DYNC2H1: PM2, PM3

Blueprint Genetics
Classification: Uncertain significance. Last evaluated: 2022-01-12. Review status: criteria provided, single submitter. Criteria: ACMG Guidelines, 2015. Collection method: clinical testing. Allele origin: germline.

Ambry Genetics
Classification: Uncertain significance for Inborn genetic diseases. Last evaluated: 2021-11-12. Review status: criteria provided, single submitter. Criteria: Ambry Variant Classification Scheme 2023. Collection method: clinical testing. Allele origin: germline.